The following is an entry in ClinVar:

NM_000059.4(BRCA2):c.8655dup (p.Pro2886fs)

Gene: BRCA2 (BRCA2 DNA repair associated; plus strand). Cytogenetic location: 13q13.1.
Variant type: Duplication.
Coding change: c.8655dup on transcript NM_000059.4 (MANE Select); coding-DNA position 8655, one base duplicated (A; older notation c.8655dupA).
Protein change: p.Pro2886fs; shifts the reading frame from proline 2886.
Molecular consequence: frameshift variant.
Genome position (GRCh38, 1-based): chr13:32,376,692, A duplicated. VCF-style (leftmost placement, unchanged base first): chr13-32376691-T-TA. GRCh37 (hg19) VCF-style: chr13-32950828-T-TA.
Other names: c.8655dupA (NM_000059.3); c.8655dup (NM_000059.3); short protein forms P2886fs.
Identifiers: ClinVar variation 431349 (VCV000431349.57), dbSNP rs1135401927, ClinGen allele CA645372963.
Genomic context (GRCh38, chr13:32,376,691, plus strand): 5'-TTACAGTTTAGTGAATTAATAATCCTTTTGTTTTCTTAGAAAACACAACAAAACCATATT[T>TA]ACCATCACGTGCACTAACAAGACAGCAAGTTCGTGCTTTGCAAGATGGTGCAGAGCTTTA-3'

ClinVar aggregate classification (germline): Pathogenic. Review status: reviewed by expert panel (3 of 4 stars). 9 submissions from 9 submitters: Pathogenic (1). 8 of the submissions do not count toward it. Last evaluated 2017-12-15.

Conditions:
Hereditary cancer-predisposing syndrome. Also called: Hereditary Cancer Syndrome; Hereditary neoplastic syndrome; Neoplastic Syndromes, Hereditary; Tumor predisposition. Identifiers: Orphanet 140162, MedGen C0027672, MeSH D009386, MONDO:0015356.
Breast-ovarian cancer, familial, susceptibility to, 2 (BROVCA2). Also called: BRCA2 Hereditary Breast and Ovarian Cancer. Identifiers: Orphanet 145, MedGen C2675520, MONDO:0012933, OMIM 612555. Disease mechanism: loss of function.
BRCA2-related disorder. Also called: BRCA2-related condition; BRCA2-related disorders. Identifiers: MedGen CN239275.
Hereditary breast ovarian cancer syndrome. Also called: Hereditary breast and ovarian cancer; Hereditary breast and ovarian cancer syndrome (HBOC); Hereditary breast and/or ovarian cancer syndrome; Breast and ovarian cancer; BRCA1- and BRCA2-Associated Hereditary Breast and Ovarian Cancer; Hereditary breast and ovarian cancer syndrome. Identifiers: Orphanet 145, MedGen C0677776, MeSH D061325, MONDO:0003582. Disease mechanism: loss of function.

Submissions (9):

Evidence-based Network for the Interpretation of Germline Mutant Alleles (ENIGMA)
Classification: Pathogenic for Breast-ovarian cancer, familial, susceptibility to, 2. Last evaluated: 2017-12-15. Review status: reviewed by expert panel. Criteria: ENIGMA BRCA1/2 Classification Criteria (2017-06-29). Collection method: curation. Allele origin: germline. Study: ENIGMA.
Comment: Variant allele predicted to encode a truncated non-functional protein.

GeneKor MSA
Classification: Pathogenic for Hereditary breast ovarian cancer syndrome. Last evaluated: 2025-06-26. Review status: criteria provided, single submitter. Criteria: ACMG Guidelines, 2015. Collection method: clinical testing. Allele origin: germline. Not counted in ClinVar's aggregate classification.
Comment: This sequence change inserts 1 nucleotide in exon 21 of the BRCA2 mRNA (c.8655dupA), causing a frameshift after codon 2886. This creates a premature translational stop signal 21 amino acid residues later and is expected to result in an absent or disrupted protein product. This variant is not present in population databases (rs1135401927). The mutation database ClinVar contains entries for this variant where it is listed as pathogenic (VCV000431349.54). However, truncating variants in BRCA2 are known to be pathogenic (PMID:20104584). Based on the classification criteria set by the ACMG and AMP (PMID:25741868) this variant has been classified as pathogenic.

Color Diagnostics, LLC DBA Color Health
Classification: Pathogenic for Hereditary cancer-predisposing syndrome. Last evaluated: 2024-12-23. Review status: criteria provided, single submitter. Criteria: ACMG Guidelines, 2015. Collection method: clinical testing. Allele origin: germline. Not counted in ClinVar's aggregate classification.
Comment: This variant inserts 1 nucleotide in exon 21 of the BRCA2 gene, creating a frameshift and premature translation stop signal. This variant is expected to result in an absent or non-functional protein product. To our knowledge, this variant has not been reported in individuals affected with BRCA2-related disorders in the literature. This variant has not been identified in the general population by the Genome Aggregation Database (gnomAD). Loss of BRCA2 function is a known mechanism of disease. Based on the available evidence, this variant is classified as Pathogenic.

Ambry Genetics
Classification: Pathogenic for Hereditary cancer-predisposing syndrome. Last evaluated: 2024-10-29. Review status: criteria provided, single submitter. Criteria: Ambry Variant Classification Scheme 2023. Collection method: clinical testing. Allele origin: germline. Not counted in ClinVar's aggregate classification.
Comment: The c.8655dupA pathogenic mutation, located in coding exon 20 of the BRCA2 gene, results from a duplication of A at nucleotide position 8655, causing a translational frameshift with a predicted alternate stop codon (p.P2886Tfs*21). This variant is considered to be rare based on population cohorts in the Genome Aggregation Database (gnomAD). This alteration is expected to result in loss of function by premature protein truncation or nonsense-mediated mRNA decay. As such, this alteration is interpreted as a disease-causing mutation.

Blueprint Genetics
Classification: Pathogenic for BRCA2-related disorders. Last evaluated: 2024-04-17. Review status: criteria provided, single submitter. Criteria: ACMG Guidelines, 2015. Collection method: clinical testing. Allele origin: germline. Affected: yes. Observed: 3 variant alleles. Not counted in ClinVar's aggregate classification.

Labcorp Genetics (formerly Invitae), Labcorp
Classification: Pathogenic for Hereditary breast ovarian cancer syndrome. Last evaluated: 2023-06-13. Review status: criteria provided, single submitter. Criteria: Invitae Variant Classification Sherloc (09022015). Collection method: clinical testing. Allele origin: germline. Not counted in ClinVar's aggregate classification.
Comment: This sequence change creates a premature translational stop signal (p.Pro2886Thrfs*21) in the BRCA2 gene. It is expected to result in an absent or disrupted protein product. Loss-of-function variants in BRCA2 are known to be pathogenic (PMID: 20104584). This variant is not present in population databases (gnomAD no frequency). This premature translational stop signal has been observed in individual(s) with clinical features of hereditary cancer predisposition (PMID: 31159747). ClinVar contains an entry for this variant (Variation ID: 431349). For these reasons, this variant has been classified as Pathogenic.

GeneDx
Classification: Pathogenic. Last evaluated: 2022-11-02. Review status: criteria provided, single submitter. Criteria: GeneDx Variant Classification Process June 2021. Collection method: clinical testing. Allele origin: germline. Affected: yes. Not counted in ClinVar's aggregate classification.
Comment: Frameshift variant predicted to result in protein truncation or nonsense mediated decay in a gene for which loss of function is a known mechanism of disease; Not observed at significant frequency in large population cohorts (gnomAD); Truncating variants in this gene are considered pathogenic by a well-established clinical consortium and/or database; Also known as 8883dupA; Observed in an individual referred for hereditary cancer multi-gene genetic testing (Tsaousis et al., 2019); This variant is associated with the following publications: (PMID: 31159747)

Clinical Genetics and Genomics, Karolinska University Hospital
Classification: Pathogenic. Last evaluated: 2019-04-25. Review status: criteria provided, single submitter. Criteria: ACMG Guidelines, 2015. Collection method: clinical testing. Allele origin: germline. Affected: yes. Observed: 1 variant allele. Not counted in ClinVar's aggregate classification.

Research Molecular Genetics Laboratory, Women's College Hospital, University of Toronto
Classification: Pathogenic for Hereditary breast ovarian cancer syndrome. Last evaluated: 2014-01-31. Review status: no assertion criteria provided. Collection method: research. Allele origin: germline. Affected: yes. Study: The Canadian Open Genetics Repository (COGR). Not counted in ClinVar's aggregate classification.

Literature cited by the submitters: PubMed 20104584 (cited by GeneKor MSA and Labcorp Genetics (formerly Invitae), Labcorp); PubMed 31159747 (cited by Labcorp Genetics (formerly Invitae), Labcorp).